The following is an entry in ClinVar:

NM_006245.4(PPP2R5D):c.963G>A (p.Met321Ile)

Gene: PPP2R5D (protein phosphatase 2 regulatory subunit B'delta; plus strand). Cytogenetic location: 6p21.1.
Variant type: single nucleotide variant.
Coding change: c.963G>A on transcript NM_006245.4 (MANE Select); coding-DNA position 963, G replaced by A.
Protein change: p.Met321Ile; replaces methionine 321 with isoleucine.
Molecular consequence: missense variant.
Genome position (GRCh38, 1-based): chr6:43,008,412, G>A. VCF-style: chr6-43008412-G-A. GRCh37 (hg19) VCF-style: chr6-42976150-G-A.
Other names: c.510G>A, p.Met170Ile (NM_001270476.2); c.867G>A, p.Met289Ile (NM_180976.3); c.645G>A, p.Met215Ile (NM_180977.3); short protein forms M170I, M215I, M289I, M321I.
Identifiers: ClinVar variation 2505649 (VCV002505649.1), dbSNP rs2532481306, ClinGen allele CA364191832.
Genomic context (GRCh38, chr6:43,008,412, plus strand): 5'-TCCCTTAATTCCTAGCATCATCAATGGCTTTGCCCTGCCCCTTAAAGAAGAGCACAAGAT[G>A]TTCCTCATCCGTGTCCTACTTCCCCTTCACAAGGTCAAGTCCCTGAGTGTCTACCACCCT-3'
Protein context (NP_006236.1, residues 311-331): FALPLKEEHK[Met321Ile]FLIRVLLPLH

ClinVar aggregate classification (germline): Uncertain significance (1 of 4 stars; one submission).

Submission:

GeneDx
Classification: Uncertain significance. Last evaluated: 2022-12-18. Review status: criteria provided, single submitter. Criteria: GeneDx Variant Classification Process June 2021. Collection method: clinical testing. Allele origin: germline. Affected: yes.
Comment: Not observed at significant frequency in large population cohorts (gnomAD); In silico analysis supports that this missense variant does not alter protein structure/function; Has not been previously published as pathogenic or benign to our knowledge